The following is an entry in ClinVar:

ClinVar aggregate classification (germline): Uncertain significance (1 of 4 stars; one submission).

gnomAD v4.1: 3 of 1,614,180 alleles (0.00019%); highest among the groups gnomAD compares: Non-Finnish European, 0.00025%; no homozygotes.

Submission:

Labcorp Genetics (formerly Invitae), Labcorp
Classification: Uncertain significance. Last evaluated: 2024-05-14. Review status: criteria provided, single submitter. Criteria: Invitae Variant Classification Sherloc (09022015). Collection method: clinical testing. Allele origin: germline.
Comment: This sequence change replaces cysteine, which is neutral and slightly polar, with tyrosine, which is neutral and polar, at codon 348 of the SERPINB8 protein (p.Cys348Tyr). This variant is present in population databases (rs149035158, gnomAD 0.002%). This variant has not been reported in the literature in individuals affected with SERPINB8-related conditions. Advanced modeling of protein sequence and biophysical properties (such as structural, functional, and spatial information, amino acid conservation, physicochemical variation, residue mobility, and thermodynamic stability) performed at Invitae indicates that this missense variant is not expected to disrupt SERPINB8 protein function with a negative predictive value of 80%. In summary, the available evidence is currently insufficient to determine the role of this variant in disease. Therefore, it has been classified as a Variant of Uncertain Significance.

NM_002640.4(SERPINB8):c.1043G>A (p.Cys348Tyr)

Gene: SERPINB8 (serpin family B member 8; plus strand). Cytogenetic location: 18q22.1.
Variant type: single nucleotide variant.
Coding change: c.1043G>A on transcript NM_002640.4 (MANE Select); coding-DNA position 1043, G replaced by A.
Protein change: p.Cys348Tyr; replaces cysteine 348 with tyrosine.
Molecular consequence: missense variant. On other transcripts: 3 prime UTR variant (2), non-coding transcript variant (1), intron variant (1).
Genome position (GRCh38, 1-based): chr18:63,987,196, G>A. VCF-style: chr18-63987196-G-A. GRCh37 (hg19) VCF-style: chr18-61654430-G-A.
Other names: c.497G>A, p.Cys166Tyr (NM_001276490.2); c.*210G>A (NM_001348368.2, NM_001348369.2); c.503G>A, p.Cys168Tyr (NM_001348370.2); c.1043G>A, p.Cys348Tyr (NM_001366198.1, NM_198833.2); c.720+1951G>A (NM_001348367.2); short protein forms C166Y, C168Y, C348Y.
Identifiers: ClinVar variation 3619878 (VCV003619878.2).
Genomic context (GRCh38, chr18:63,987,196, plus strand): 5'-CTGCCGCAGCCACTGCTGTGGTCAGGAATTCCCGGTGCAGCAGAATGGAGCCAAGATTCT[G>A]TGCAGACCACCCTTTTCTTTTCTTCATCAGGCACCACAAAACCAACTGCATCTTGTTCTG-3'
Protein context (NP_002631.3, residues 338-358): SRCSRMEPRF[Cys348Tyr]ADHPFLFFIR